The following is an entry in ClinVar:

NM_000548.5(TSC2):c.1716+7G>A

Gene: TSC2 (TSC complex subunit 2; plus strand). Cytogenetic location: 16p13.3.
Variant type: single nucleotide variant.
Coding change: c.1716+7G>A on transcript NM_000548.5 (MANE Select); 7 bases into the intron after coding-DNA position 1716, G replaced by A.
Molecular consequence: intron variant.
Genome position (GRCh38, 1-based): chr16:2,065,642, G>A. VCF-style: chr16-2065642-G-A. GRCh37 (hg19) VCF-style: chr16-2115643-G-A.
Other names: c.1716+7G>A (NM_001114382.3, NM_021055.3, NM_001370405.1 and 3 more transcripts); c.1605+7G>A (NM_001318827.2); c.1116+7G>A (NM_001318831.2); c.1569+7G>A (NM_001318829.2); c.1749+7G>A (NM_001318832.2).
Identifiers: ClinVar variation 701684 (VCV000701684.11), dbSNP rs1204839285, ClinGen allele CA718904818.

ClinVar aggregate classification (germline): Likely benign. Review status: criteria provided, multiple submitters, no conflicts (2 of 4 stars). 2 submissions from 2 submitters: Likely benign (2). Last evaluated 2025-11-23.

Conditions:
Tuberous sclerosis 2 (TSC2). Identifiers: Orphanet 805, MedGen C1860707, MONDO:0013199, OMIM 613254.

Allele frequency attached by ClinVar (database versions not stated): gnomAD exomes below 0.00001; gnomAD 0.00001; TOPMed 0.00001.
gnomAD v4.1: 4 of 1,612,342 alleles (0.00025%); highest among the groups gnomAD compares: Non-Finnish European, 0.00034%; no homozygotes.

Submissions (2):

Labcorp Genetics (formerly Invitae), Labcorp
Classification: Likely benign for Tuberous sclerosis 2. Last evaluated: 2025-11-23. Review status: criteria provided, single submitter. Criteria: Invitae Variant Classification Sherloc (09022015). Collection method: clinical testing. Allele origin: germline.

Myriad Genetics, Inc.
Classification: Likely benign for Tuberous sclerosis 2. Last evaluated: 2025-05-15. Review status: criteria provided, single submitter. Criteria: Myriad Autosomal Dominant, Autosomal Recessive and X-Linked Classification Criteria (2023). Collection method: clinical testing. Allele origin: unknown.
Comment: This variant is considered likely benign. This variant is intronic and is not expected to impact mRNA splicing.